The following is an entry in ClinVar:

NM_000321.3(RB1):c.110_122del (p.Ser37fs)

Gene: RB1 (RB transcriptional corepressor 1; plus strand). Cytogenetic location: 13q14.2.
Variant type: Deletion.
Coding change: c.110_122del on transcript NM_000321.3 (MANE Select); coding-DNA positions 110 to 122, 13 bases deleted (GCGGCCCGGAGGA).
Protein change: p.Ser37fs; shifts the reading frame from serine 37.
Molecular consequence: frameshift variant.
Genome position (GRCh38, 1-based): chr13:48,304,022-48,304,034, GCGGCCCGGAGGA deleted; deleting any 13 consecutive bases within chr13:48,304,021-48,304,034 gives the same sequence; the c. name uses the placement nearest the transcript's 3' end. VCF-style (leftmost placement, unchanged base first): chr13-48304020-CAGCGGCCCGGAGG-C. GRCh37 (hg19) VCF-style: chr13-48878156-CAGCGGCCCGGAGG-C.
Other names: c.110_122del, p.Ser37fs (NM_001407165.1, NM_001407166.1, NM_001407167.1); short protein forms S37fs.
Identifiers: ClinVar variation 2749627 (VCV002749627.3), dbSNP rs2542094356, ClinGen allele CA2697551900.
Genomic context (GRCh38, chr13:48,304,020, plus strand): 5'-CGCCGCGGAACCCCCGGCACCGCCGCCGCCGCCCCCTCCTGAGGAGGACCCAGAGCAGGA[CAGCGGCCCGGAGG>C]ACCTGCCTCTCGTCAGGTGAGCGAGCAGAGCCGCCGTCGCCTCACGCGGGAAGGGCGCCC-3'

ClinVar aggregate classification (germline): Pathogenic (1 of 4 stars; one submission).

Conditions:
Retinoblastoma (RB1). Also called: RETINOBLASTOMA, SOMATIC. Identifiers: Orphanet 790, MedGen C0035335, MeSH D012175, MONDO:0008380, OMIM 180200, HP:0009919. Disease mechanism: loss of function. Inheritance: Both sporadic and heritable forms are tested..

Submission:

Labcorp Genetics (formerly Invitae), Labcorp
Classification: Pathogenic for Retinoblastoma. Last evaluated: 2023-08-03. Review status: criteria provided, single submitter. Criteria: Invitae Variant Classification Sherloc (09022015). Collection method: clinical testing. Allele origin: germline.
Comment: For these reasons, this variant has been classified as Pathogenic. This variant has not been reported in the literature in individuals affected with RB1-related conditions. This variant is not present in population databases (gnomAD no frequency). This sequence change creates a premature translational stop signal (p.Ser37Thrfs*24) in the RB1 gene. It is expected to result in an absent or disrupted protein product. Loss-of-function variants in RB1 are known to be pathogenic (PMID: 17096365).

Literature cited by the submitters: PubMed 17096365.